The following is an entry in ClinVar:

ClinVar aggregate classification (germline): Benign (1 of 4 stars; one submission).

Conditions:
Familial cancer of breast. Also called: hereditary breast carcinoma; Hereditary breast cancer; BREAST CANCER, FAMILIAL. Identifiers: Orphanet 227535, MedGen C0346153, MONDO:0016419, OMIM 114480. Disease mechanism: loss of function.

Submission:

Myriad Genetics, Inc.
Classification: Benign for Familial cancer of breast. Last evaluated: 2024-09-10. Review status: criteria provided, single submitter. Criteria: Myriad Autosomal Dominant, Autosomal Recessive and X-Linked Classification Criteria (2023). Collection method: clinical testing. Allele origin: unknown.
Comment: This variant is considered benign. This variant is a silent/synonymous amino acid change and it is not expected to impact splicing.

NM_032043.3(BRIP1):c.3243C>A (p.Ala1081=)

Gene: BRIP1 (BRCA1 interacting DNA helicase 1; minus strand). Cytogenetic location: 17q23.2.
Variant type: single nucleotide variant.
Coding change: c.3243C>A on transcript NM_032043.3 (MANE Select); coding-DNA position 3243, C replaced by A.
Protein change: p.Ala1081=; no amino-acid change (alanine 1081 retained).
Molecular consequence: synonymous variant.
Genome position (GRCh38, 1-based): chr17:61,683,803, G>T on the plus strand (C>A on the coding strand, the complement: BRIP1 is on the minus strand). VCF-style: chr17-61683803-G-T. GRCh37 (hg19) VCF-style: chr17-59761164-G-T.
Identifiers: ClinVar variation 3379350 (VCV003379350.1).